The following is an entry in ClinVar:

ClinVar aggregate classification (germline): Uncertain significance (1 of 4 stars; one submission).

gnomAD v4.1: 1 of 1,613,304 alleles (0.000062%); highest among the groups gnomAD compares: Non-Finnish European, 0.000085%; no homozygotes.

Submission:

Labcorp Genetics (formerly Invitae), Labcorp
Classification: Uncertain significance. Last evaluated: 2025-11-03. Review status: criteria provided, single submitter. Criteria: Invitae Variant Classification Sherloc (09022015). Collection method: clinical testing. Allele origin: germline.
Comment: This sequence change replaces isoleucine, which is neutral and non-polar, with phenylalanine, which is neutral and non-polar, at codon 949 of the DNA2 protein (p.Ile949Phe). This variant is not present in population databases (gnomAD no frequency). This variant has not been reported in the literature in individuals affected with DNA2-related conditions. Invitae Evidence Modeling of protein sequence and biophysical properties (such as structural, functional, and spatial information, amino acid conservation, physicochemical variation, residue mobility, and thermodynamic stability) indicates that this missense variant is not expected to disrupt DNA2 protein function with a negative predictive value of 80%. In summary, the available evidence is currently insufficient to determine the role of this variant in disease. Therefore, it has been classified as a Variant of Uncertain Significance.

NM_001080449.3(DNA2):c.2845A>T (p.Ile949Phe)

Gene: DNA2 (DNA replication helicase/nuclease 2; minus strand). Cytogenetic location: 10q21.3.
Variant type: single nucleotide variant.
Coding change: c.2845A>T on transcript NM_001080449.3 (MANE Select); coding-DNA position 2845, A replaced by T.
Protein change: p.Ile949Phe; replaces isoleucine 949 with phenylalanine.
Molecular consequence: missense variant. On other transcripts: non-coding transcript variant (1).
Genome position (GRCh38, 1-based): chr10:68,419,156, T>A on the plus strand (A>T on the coding strand, the complement: DNA2 is on the minus strand). VCF-style: chr10-68419156-T-A. GRCh37 (hg19) VCF-style: chr10-70178913-T-A.
Other names: short protein forms I949F.
Identifiers: ClinVar variation 4770707 (VCV004770707.1).